The following is an entry in ClinVar:

NM_000321.3(RB1):c.2211+1G>T

Gene: RB1 (RB transcriptional corepressor 1; plus strand). Cytogenetic location: 13q14.2.
Variant type: single nucleotide variant.
Coding change: c.2211+1G>T on transcript NM_000321.3 (MANE Select); the canonical splice donor site of the intron after coding-DNA position 2211, G replaced by T.
Molecular consequence: splice donor variant.
Genome position (GRCh38, 1-based): chr13:48,463,836, G>T. VCF-style: chr13-48463836-G-T. GRCh37 (hg19) VCF-style: chr13-49037972-G-T.
Other names: c.2211+1G>T (NM_001407165.1).
Identifiers: ClinVar variation 852375 (VCV000852375.14), dbSNP rs1949420231, ClinGen allele CA388167241.

ClinVar aggregate classification (germline): Pathogenic. Review status: criteria provided, multiple submitters, no conflicts (2 of 4 stars). 3 submissions from 3 submitters: Pathogenic (3). Last evaluated 2026-04-16.

Conditions:
Hereditary cancer-predisposing syndrome. Also called: Tumor predisposition; Neoplastic Syndromes, Hereditary; Hereditary neoplastic syndrome; Hereditary Cancer Syndrome. Identifiers: Orphanet 140162, MedGen C0027672, MeSH D009386, MONDO:0015356.
Retinoblastoma (RB1). Also called: RETINOBLASTOMA, SOMATIC. Identifiers: Orphanet 790, MedGen C0035335, MeSH D012175, MONDO:0008380, OMIM 180200, HP:0009919. Disease mechanism: loss of function. Inheritance: Both sporadic and heritable forms are tested..

Submissions (3):

Ambry Genetics
Classification: Pathogenic for Hereditary cancer-predisposing syndrome. Last evaluated: 2026-04-16. Review status: criteria provided, single submitter. Criteria: Ambry Variant Classification Scheme 2023. Collection method: clinical testing. Allele origin: germline.
Comment: The c.2211+1G>T intronic pathogenic mutation results from a G to T substitution one nucleotide after coding exon 21 of the RB1 gene. A resulting transcript is predicted to be in-frame and is not expected to trigger nonsense-mediated mRNAdecay; although, direct evidence is unavailable. However, the region predicted to be impacted is critical for protein function (Ambry internal data). In silico splice site analysis predicts that this alteration will weaken the native splice donor site and may result in the creation or strengthening of a novel splice donor site. RNA studies have demonstrated that this variant results in abnormal splicing in the set of samples tested (Ambry internal data; Taylor M et al. Hum Mutat, 2007 Mar;28:284-93). This variant has been observed in multiple individuals with a personal and/or family history that is consistent with RB1-related hereditary retinoblastoma (Taylor M et al. Hum Mutat, 2007 Mar;28:284-93; Ambry internal data). This variant is considered to be rare based on population cohorts in the Genome Aggregation Database (gnomAD). Based on the supporting evidence, this variant is interpreted as a disease-causing mutation.

GeneDx
Classification: Pathogenic. Last evaluated: 2020-09-25. Review status: criteria provided, single submitter. Criteria: GeneDx Variant Classification Process June 2021. Collection method: clinical testing. Allele origin: germline. Affected: yes.
Comment: Canonical splice site variant expected to result in aberrant splicing, although in the absence of functional evidence the actual effect of this sequence change is unknown.; Not observed in large population cohorts (Lek 2016); This variant is associated with the following publications: (PMID: 18449911, 14722923, 19339519, 25525159)

Labcorp Genetics (formerly Invitae), Labcorp
Classification: Pathogenic for Retinoblastoma. Last evaluated: 2019-01-27. Review status: criteria provided, single submitter. Criteria: Invitae Variant Classification Sherloc (09022015). Collection method: clinical testing. Allele origin: germline.
Comment: For these reasons, this variant has been classified as Pathogenic. Donor and acceptor splice site variants typically lead to a loss of protein function (PMID: 16199547), and loss-of-function variants in RB1 are known to be pathogenic (PMID: 17096365). Disruption of this splice site has been observed in several individuals affected with retinoblastoma (PMID: 14722923, 12402348, 11668642, 29568217). This variant is also known as g.160835G>T and IVS21+1G>T in the literature. This variant is not present in population databases (ExAC no frequency). This sequence change affects a donor splice site in intron 21 of the RB1 gene. It is expected to disrupt RNA splicing and likely results in an absent or disrupted protein product.

Literature cited by the submitters: PubMed 17096365 (cited by Ambry Genetics and Labcorp Genetics (formerly Invitae), Labcorp); PubMed 16199547 (cited by Labcorp Genetics (formerly Invitae), Labcorp); PubMed 14722923 (cited by Labcorp Genetics (formerly Invitae), Labcorp); PubMed 12402348 (cited by Labcorp Genetics (formerly Invitae), Labcorp); PubMed 11668642 (cited by Labcorp Genetics (formerly Invitae), Labcorp); PubMed 29568217 (cited by Labcorp Genetics (formerly Invitae), Labcorp).